The following is an entry in ClinVar:

NM_019032.6(ADAMTSL4):c.1186T>C (p.Ser396Pro)

Genes: ADAMTSL4 (ADAMTS like 4; plus strand), ADAMTSL4-AS2 (ADAMTSL4 antisense RNA 2; minus strand). Cytogenetic location: 1q21.2.
Variant type: single nucleotide variant.
Coding change: c.1186T>C on transcript NM_019032.6 (MANE Select); coding-DNA position 1186, T replaced by C.
Protein change: p.Ser396Pro; replaces serine 396 with proline.
Molecular consequence: missense variant.
Genome position (GRCh38, 1-based): chr1:150,554,419, T>C. VCF-style: chr1-150554419-T-C. GRCh37 (hg19) VCF-style: chr1-150526895-T-C.
Other names: c.1186T>C, p.Ser396Pro (NM_001288607.2, NM_001288608.2, NM_001378596.1 and 1 more transcripts); short protein forms S396P.
Identifiers: ClinVar variation 875285 (VCV000875285.5), dbSNP rs775105543, ClinGen allele CA1078162.
Genomic context (GRCh38, chr1:150,554,419, plus strand): 5'-CCGCAGCCCTGCCCCCCTGAGCAGCCAGACCCCCGGGCCCTGCAGTGCGCAGCCTTTAAC[T>C]CCCAGGAATTCATGGGCCAGCTGTATCAGTGGGAGCCCTTCACTGAAGGTGAGGTTTCTT-3'
Protein context (NP_061905.2, residues 386-406): PRALQCAAFN[Ser396Pro]QEFMGQLYQW

ClinVar aggregate classification (germline): Uncertain significance. Review status: criteria provided, multiple submitters, no conflicts (2 of 4 stars). 2 submissions from 2 submitters: Uncertain significance (2). Last evaluated 2023-11-01.

Conditions:
Ectopia lentis 2, isolated, autosomal recessive (ECTOL2). Identifiers: Orphanet 1885, MedGen C3541474, MONDO:0009152, OMIM 225100.

Allele frequency attached by ClinVar (database versions not stated): ExAC 0.00001; gnomAD exomes 0.00001 and 0.00002; TOPMed 0.00001; gnomAD 0.00003 and 0.00004.

Submissions (2):

Labcorp Genetics (formerly Invitae), Labcorp
Classification: Uncertain significance. Last evaluated: 2023-11-01. Review status: criteria provided, single submitter. Criteria: Invitae Variant Classification Sherloc (09022015). Collection method: clinical testing. Allele origin: germline.
Comment: This sequence change replaces serine, which is neutral and polar, with proline, which is neutral and non-polar, at codon 396 of the ADAMTSL4 protein (p.Ser396Pro). This variant is present in population databases (rs775105543, gnomAD 0.002%). This variant has not been reported in the literature in individuals affected with ADAMTSL4-related conditions. ClinVar contains an entry for this variant (Variation ID: 875285). Advanced modeling of protein sequence and biophysical properties (such as structural, functional, and spatial information, amino acid conservation, physicochemical variation, residue mobility, and thermodynamic stability) performed at Invitae indicates that this missense variant is not expected to disrupt ADAMTSL4 protein function with a negative predictive value of 80%. In summary, the available evidence is currently insufficient to determine the role of this variant in disease. Therefore, it has been classified as a Variant of Uncertain Significance.

Illumina Laboratory Services, Illumina
Classification: Uncertain significance for Ectopia lentis 2, isolated, autosomal recessive. Last evaluated: 2018-01-13. Review status: criteria provided, single submitter. Criteria: ICSL Variant Classification Criteria 13 December 2019. Collection method: clinical testing. Allele origin: germline.